The following is an entry in ClinVar:

NM_003072.5(SMARCA4):c.590_601del (p.Pro197_Leu200del)

Gene: SMARCA4 (SWI/SNF related BAF chromatin remodeling complex subunit ATPase 4; plus strand). Cytogenetic location: 19p13.2.
Variant type: Deletion.
Coding change: c.590_601del on transcript NM_003072.5 (MANE Select); coding-DNA positions 590 to 601, 12 bases deleted (CCGACCACCTGC).
Protein change: p.Pro197_Leu200del.
Molecular consequence: inframe deletion. On other transcripts: inframe indel (1), non-coding transcript variant (1).
Genome position (GRCh38, 1-based): chr19:10,986,423-10,986,434, CCGACCACCTGC deleted; deleting any 12 consecutive bases within chr19:10,986,422-10,986,434 gives the same sequence; the c. name uses the placement nearest the transcript's 3' end. VCF-style (leftmost placement, unchanged base first): chr19-10986421-CCCCGACCACCTG-C. GRCh37 (hg19) VCF-style: chr19-11097097-CCCCGACCACCTG-C.
Other names: c.590_601del, p.Pro197_Leu200del (NM_001128844.3, NM_001128845.2, NM_001128846.2 and 5 more transcripts); c.590_601delCCGACCACCTGC, p.Pro197_Leu200del (NM_001411150.1).
Identifiers: ClinVar variation 1750407 (VCV001750407.2), dbSNP rs2514000168, ClinGen allele CA2580096370.

ClinVar aggregate classification (germline): Uncertain significance (1 of 4 stars; one submission).

Conditions:
Hereditary cancer-predisposing syndrome. Also called: Hereditary Cancer Syndrome; Hereditary neoplastic syndrome; Neoplastic Syndromes, Hereditary; Tumor predisposition. Identifiers: Orphanet 140162, MedGen C0027672, MeSH D009386, MONDO:0015356.

Submission:

Ambry Genetics
Classification: Uncertain significance for Hereditary cancer-predisposing syndrome. Last evaluated: 2020-09-24. Review status: criteria provided, single submitter. Criteria: Ambry Variant Classification Scheme 2023. Collection method: clinical testing. Allele origin: germline.
Comment: The c.590_601del12 variant (also known as p.P197_L200del) is located in coding exon 3 of the SMARCA4 gene. This variant results from an in-frame CCGACCACCTGC deletion at nucleotide positions 590 to 601. This results in the in-frame deletion of 4 residues (PDHL) at codon positions 197 to 200. This amino acid region is well conserved in available vertebrate species. Since supporting evidence is limited at this time, the clinical significance of this alteration remains unclear.